The following is an entry in ClinVar:

ClinVar aggregate classification (germline): Uncertain significance (1 of 4 stars; one submission).

Conditions:
Spastic paraplegia. Identifiers: MedGen C0037772, HP:0001258.

Allele frequency attached by ClinVar (database versions not stated): TOPMed below 0.00001.

Submission:

Labcorp Genetics (formerly Invitae), Labcorp
Classification: Uncertain significance for Spastic paraplegia. Last evaluated: 2022-06-10. Review status: criteria provided, single submitter. Criteria: Invitae Variant Classification Sherloc (09022015). Collection method: clinical testing. Allele origin: germline.
Comment: In summary, the available evidence is currently insufficient to determine the role of this variant in disease. Therefore, it has been classified as a Variant of Uncertain Significance. Advanced modeling of protein sequence and biophysical properties (such as structural, functional, and spatial information, amino acid conservation, physicochemical variation, residue mobility, and thermodynamic stability) performed at Invitae indicates that this missense variant is not expected to disrupt KDM5C protein function. This variant has not been reported in the literature in individuals affected with KDM5C-related conditions. This variant is not present in population databases (gnomAD no frequency). This sequence change replaces glutamine, which is neutral and polar, with histidine, which is basic and polar, at codon 1316 of the KDM5C protein (p.Gln1316His).

NM_004187.5(KDM5C):c.3948G>T (p.Gln1316His)

Gene: KDM5C (lysine demethylase 5C; minus strand). Cytogenetic location: Xp11.22.
Variant type: single nucleotide variant.
Coding change: c.3948G>T on transcript NM_004187.5 (MANE Select); coding-DNA position 3948, G replaced by T.
Protein change: p.Gln1316His; replaces glutamine 1316 with histidine.
Molecular consequence: missense variant. On other transcripts: non-coding transcript variant (3).
Genome position (GRCh38, 1-based): chrX:53,194,229, C>A on the plus strand (G>T on the coding strand, the complement: KDM5C is on the minus strand). VCF-style: chrX-53194229-C-A. GRCh37 (hg19) VCF-style: chrX-53223411-C-A.
Other names: c.3747G>T, p.Gln1249His (NM_001146702.2); c.3945G>T, p.Gln1315His (NM_001282622.3, NM_001353979.2, NM_001353982.2); c.3948G>T, p.Gln1316His (NM_001353978.3, NM_001353981.2, NM_001353984.2); short protein forms Q1315H, Q1249H, Q1316H.
Identifiers: ClinVar variation 1989494 (VCV001989494.4), dbSNP rs1934649977, ClinGen allele CA413106219.